The following is an entry in ClinVar:

ClinVar aggregate classification (germline): Uncertain significance (1 of 4 stars; one submission).

Conditions:
Coffin-Siris syndrome 12. Identifiers: MedGen C5444111, MONDO:0025699, OMIM 619325.

Submission:

MGZ Medical Genetics Center
Classification: Uncertain significance for Coffin-Siris syndrome 12. Last evaluated: 2022-07-12. Review status: criteria provided, single submitter. Criteria: ACMG Guidelines, 2015. Collection method: clinical testing. Allele origin: germline. Affected: yes. Observed: 1 variant allele.
Comment: ACMG criteria applied: PM2_SUP

NM_001394372.1(BICRA):c.1614C>A (p.Ser538Arg)

Gene: BICRA (BRD4 interacting chromatin remodeling complex associated protein; plus strand). Cytogenetic location: 19q13.33.
Variant type: single nucleotide variant.
Coding change: c.1614C>A on transcript NM_001394372.1 (MANE Select); coding-DNA position 1614, C replaced by A.
Protein change: p.Ser538Arg; replaces serine 538 with arginine.
Molecular consequence: missense variant.
Genome position (GRCh38, 1-based): chr19:47,680,784, C>A. VCF-style: chr19-47680784-C-A. GRCh37 (hg19) VCF-style: chr19-48184041-C-A.
Other names: c.1614C>A, p.Ser538Arg (NM_015711.3); short protein forms S538R.
Identifiers: ClinVar variation 1709595 (VCV001709595.2), dbSNP rs779469273, ClinGen allele CA406614121.